The following is an entry in ClinVar:

NM_080680.3(COL11A2):c.106_112del (p.Leu35_Arg36insTer)

Gene: COL11A2 (collagen type XI alpha 2 chain; minus strand). Cytogenetic location: 6p21.32.
Variant type: Deletion.
Coding change: c.106_112del on transcript NM_080680.3 (MANE Select); coding-DNA positions 106 to 112, 7 bases deleted (CGGGCCC; older notation c.106_112delCGGGCCC).
Protein change: p.Leu35_Arg36insTer.
Molecular consequence: nonsense. On other transcripts: 5 prime UTR variant (3), non-coding transcript variant (1).
Genome position (GRCh38, 1-based): chr6:33,189,440-33,189,446, GGGCCCG deleted on the plus strand (CGGGCCC on the coding strand, the reverse complement: COL11A2 is on the minus strand); deleting any 7 consecutive bases within chr6:33,189,440-33,189,447 gives the same sequence; the c. name uses the placement nearest the transcript's 3' end. VCF-style (leftmost placement, unchanged base first): chr6-33189439-AGGGCCCG-A. GRCh37 (hg19) VCF-style: chr6-33157216-AGGGCCCG-A.
Other names: c.106_112del, p.Leu35_Arg36insTer (NM_001163771.2, NM_001424108.1, NM_080679.3 and 1 more transcripts); c.-741_-735del (NM_001424109.1, NM_001424110.1, NM_001424111.1).
Identifiers: ClinVar variation 4730136 (VCV004730136.1).

ClinVar aggregate classification (germline): Pathogenic (1 of 4 stars; one submission).

Submission:

Labcorp Genetics (formerly Invitae), Labcorp
Classification: Pathogenic. Last evaluated: 2025-10-29. Review status: criteria provided, single submitter. Criteria: Invitae Variant Classification Sherloc (09022015). Collection method: clinical testing. Allele origin: germline.
Comment: This sequence change creates a premature translational stop signal (p.Arg36*) in the COL11A2 gene. It is expected to result in an absent or disrupted protein product. Loss-of-function variants in COL11A2 are known to be pathogenic (PMID: 10677296, 21204229). This variant is not present in population databases (gnomAD no frequency). This variant has not been reported in the literature in individuals affected with COL11A2-related conditions. For these reasons, this variant has been classified as Pathogenic.

Literature cited by the submitters: PubMed 10677296; PubMed 21204229.